The following is an entry in ClinVar:

ClinVar aggregate classification (germline): Likely pathogenic. Review status: criteria provided, multiple submitters, no conflicts (2 of 4 stars). 2 submissions from 2 submitters: Likely pathogenic (2). Last evaluated 2025-04-14.

Conditions:
Autosomal recessive Alport syndrome (ATS2). Also called: Alport syndrome type 2; COL4A3-Related Nephropathy; COL4A4 Alport Syndrome and Thin Basement Membrane Nephropathy; ALPORT SYNDROME 2, AUTOSOMAL RECESSIVE. Identifiers: Orphanet 63, Orphanet 88919, MedGen C4746745, MONDO:0008762, OMIM 203780.
Hematuria, benign familial, 1 (BFH1). Also called: THIN MEMBRANE NEPHROPATHY. Identifiers: MedGen CN376803, MONDO:0007709, OMIM 141200.

gnomAD v4.1: 2 of 1,613,576 alleles (0.00012%); highest among the groups gnomAD compares: Non-Finnish European, 0.00017%; no homozygotes.

Submissions (2):

Labcorp Genetics (formerly Invitae), Labcorp
Classification: Likely pathogenic. Last evaluated: 2025-04-14. Review status: criteria provided, single submitter. Criteria: Invitae Variant Classification Sherloc (09022015). Collection method: clinical testing. Allele origin: germline.
Comment: This sequence change replaces glycine, which is neutral and non-polar, with serine, which is neutral and polar, at codon 451 of the COL4A4 protein (p.Gly451Ser). The frequency data for this variant in the population databases is considered unreliable, as metrics indicate poor data quality at this position in the gnomAD database. This missense change has been observed in individuals with clinical features of Alport syndrome (PMID: 24854265; internal data). It has also been observed to segregate with disease in related individuals. ClinVar contains an entry for this variant (Variation ID: 3585887). Invitae Evidence Modeling of protein sequence and biophysical properties (such as structural, functional, and spatial information, amino acid conservation, physicochemical variation, residue mobility, and thermodynamic stability) indicates that this missense variant is expected to disrupt COL4A4 protein function with a positive predictive value of 95%. In summary, the currently available evidence indicates that the variant is pathogenic, but additional data are needed to prove that conclusively. Therefore, this variant has been classified as Likely Pathogenic.

Fulgent Genetics
Classification: Likely pathogenic for Hematuria, benign familial, 1; Autosomal recessive Alport syndrome. Last evaluated: 2024-04-06. Review status: criteria provided, single submitter. Criteria: ACMG Guidelines, 2015. Collection method: clinical testing. Allele origin: germline.

Literature cited by the submitters: PubMed 24854265 (cited by Labcorp Genetics (formerly Invitae), Labcorp).

NM_000092.5(COL4A4):c.1351G>A (p.Gly451Ser)

Gene: COL4A4 (collagen type IV alpha 4 chain; minus strand). Cytogenetic location: 2q36.3.
Variant type: single nucleotide variant.
Coding change: c.1351G>A on transcript NM_000092.5 (MANE Select); coding-DNA position 1351, G replaced by A.
Protein change: p.Gly451Ser; replaces glycine 451 with serine.
Molecular consequence: missense variant.
Genome position (GRCh38, 1-based): chr2:227,094,143, C>T on the plus strand (G>A on the coding strand, the complement: COL4A4 is on the minus strand). VCF-style: chr2-227094143-C-T. GRCh37 (hg19) VCF-style: chr2-227958859-C-T.
Other names: short protein forms G451S.
Identifiers: ClinVar variation 3585887 (VCV003585887.3).
Genomic context (GRCh38, chr2:227,094,143, plus strand): 5'-AGCAGCATAAATGCTAATGGATATGAATAAGGAGTACTTTACCACTTGATCCTGGGAGGC[C>T]CTGCAGGCCTGGTGCTCCAGGCAAGCCAGGTGATCCTGGCTTCCCTGGTTTTCCTGGAGC-3'
Protein context (NP_000083.3, residues 441-461): PGLPGAPGLQ[Gly451Ser]LPGSSVIYCS